The following is an entry in ClinVar:

ClinVar aggregate classification (germline): Likely benign (1 of 4 stars; one submission).

Conditions:
PPARG-related disorder. Also called: PPARG-related disorders; PPARG-related condition.

gnomAD v4.1: 10 of 1,614,048 alleles (0.00062%); highest among the groups gnomAD compares: African/African-American, 0.013%; no homozygotes.

Submission:

PreventionGenetics, part of Exact Sciences
Classification: Likely benign for PPARG-related condition. Last evaluated: 2026-08-24. Review status: criteria provided, single submitter. Criteria: ACMG Guidelines, 2015. Collection method: clinical testing. Allele origin: germline.
Comment: This variant is classified as likely benign based on ACMG/AMP sequence variant interpretation guidelines (Richards et al. 2015 PMID: 25741868, with internal and published modifications).

NM_138711.6(PPARG):c.837C>A (p.Ile279=)

Gene: PPARG (peroxisome proliferator activated receptor gamma; plus strand). Cytogenetic location: 3p25.2.
Variant type: single nucleotide variant.
Coding change: c.837C>A on transcript NM_138711.6 (MANE Select); coding-DNA position 837, C replaced by A.
Protein change: p.Ile279=; no amino-acid change (isoleucine 279 retained).
Molecular consequence: synonymous variant. On other transcripts: intron variant (5).
Genome position (GRCh38, 1-based): chr3:12,416,811, C>A. VCF-style: chr3-12416811-C-A. GRCh37 (hg19) VCF-style: chr3-12458310-C-A.
Other names: c.837C>A, p.Ile279= (NM_001354666.3, NM_001354667.3, NM_001374263.2 and 3 more transcripts); c.210C>A, p.Ile70= (NM_001354669.2); c.927C>A, p.Ile309= (NM_015869.5); c.729+10730C>A (NM_001374261.3, NM_001374262.3, NM_001330615.4); c.653+10812C>A (NM_001374266.1); c.819+10730C>A (NM_001374265.1).
Identifiers: ClinVar variation 4983808 (VCV004983808.1).